The following is an entry in ClinVar:

ClinVar aggregate classification (germline): Uncertain significance. Review status: criteria provided, multiple submitters, no conflicts (2 of 4 stars). 3 submissions from 3 submitters: Uncertain significance (3). Last evaluated 2025-11-26.

Conditions:
Developmental and epileptic encephalopathy, 34 (DEE34). Also called: Early infantile epileptic encephalopathy 34; SLC12A5-Related Epilepsy of Infancy with Migrating Focal Seizures. Identifiers: Orphanet 293181, MedGen C4225257, MONDO:0014718, OMIM 616645.

Allele frequency attached by ClinVar (database versions not stated): gnomAD exomes below 0.00001; gnomAD 0.00001; TOPMed 0.00001; ExAC 0.00002.
gnomAD v4.1: 8 of 1,614,042 alleles (0.0005%); highest among the groups gnomAD compares: East Asian, 0.0022%; no homozygotes.

Submissions (3):

Ambry Genetics
Classification: Uncertain significance. Last evaluated: 2025-11-26. Review status: criteria provided, single submitter. Criteria: Ambry Variant Classification Scheme 2023. Collection method: clinical testing. Allele origin: germline.

CeGaT Center for Human Genetics Tuebingen
Classification: Uncertain significance. Last evaluated: 2025-03-01. Review status: criteria provided, single submitter. Criteria: CeGaT Center For Human Genetics Tuebingen Variant Classification Criteria Version 2. Collection method: clinical testing. Allele origin: germline. Affected: yes. Observed: 1 variant allele.
Comment: SLC12A5: PM2, PP3

Labcorp Genetics (formerly Invitae), Labcorp
Classification: Uncertain significance for Developmental and epileptic encephalopathy, 34. Last evaluated: 2022-06-05. Review status: criteria provided, single submitter. Criteria: Invitae Variant Classification Sherloc (09022015). Collection method: clinical testing. Allele origin: germline.
Comment: This sequence change replaces threonine, which is neutral and polar, with methionine, which is neutral and non-polar, at codon 580 of the SLC12A5 protein (p.Thr580Met). This variant is present in population databases (rs747155296, gnomAD 0.004%). This variant has not been reported in the literature in individuals affected with SLC12A5-related conditions. Advanced modeling of protein sequence and biophysical properties (such as structural, functional, and spatial information, amino acid conservation, physicochemical variation, residue mobility, and thermodynamic stability) performed at Invitae indicates that this missense variant is expected to disrupt SLC12A5 protein function. In summary, the available evidence is currently insufficient to determine the role of this variant in disease. Therefore, it has been classified as a Variant of Uncertain Significance.

NM_020708.5(SLC12A5):c.1739C>T (p.Thr580Met)

Gene: SLC12A5 (solute carrier family 12 member 5; plus strand). Cytogenetic location: 20q13.12.
Variant type: single nucleotide variant.
Coding change: c.1739C>T on transcript NM_020708.5 (MANE Select); coding-DNA position 1739, C replaced by T.
Protein change: p.Thr580Met; replaces threonine 580 with methionine.
Molecular consequence: missense variant.
Genome position (GRCh38, 1-based): chr20:46,046,388, C>T. VCF-style: chr20-46046388-C-T. GRCh37 (hg19) VCF-style: chr20-44675027-C-T.
Other names: c.1808C>T, p.Thr603Met (NM_001134771.2); c.1808C>T (NM_001134771.1); short protein forms T580M, T603M.
Identifiers: ClinVar variation 2069623 (VCV002069623.8), dbSNP rs747155296, ClinGen allele CA9887418.